The following is an entry in ClinVar:

ClinVar aggregate classification (germline): Uncertain significance (1 of 4 stars; one submission).

Conditions:
Hypertrophic cardiomyopathy 1 (CMH1). Also called: Familial hypertrophic cardiomyopathy 1; MYH7-Related Familial Hypertrophic Cardiomyopathy. Identifiers: MedGen C3495498, MONDO:0008647, OMIM 192600.

Submission:

Labcorp Genetics (formerly Invitae), Labcorp
Classification: Uncertain significance for Hypertrophic cardiomyopathy 1. Last evaluated: 2023-07-25. Review status: criteria provided, single submitter. Criteria: Invitae Variant Classification Sherloc (09022015). Collection method: clinical testing. Allele origin: germline.
Comment: In summary, the available evidence is currently insufficient to determine the role of this variant in disease. Therefore, it has been classified as a Variant of Uncertain Significance. Advanced modeling of protein sequence and biophysical properties (such as structural, functional, and spatial information, amino acid conservation, physicochemical variation, residue mobility, and thermodynamic stability) performed at Invitae indicates that this missense variant is not expected to disrupt MYLK2 protein function. This variant has not been reported in the literature in individuals affected with MYLK2-related conditions. This variant is not present in population databases (gnomAD no frequency). This sequence change replaces threonine, which is neutral and polar, with proline, which is neutral and non-polar, at codon 49 of the MYLK2 protein (p.Thr49Pro).

NM_033118.4(MYLK2):c.145A>C (p.Thr49Pro)

Gene: MYLK2 (myosin light chain kinase 2; plus strand). Cytogenetic location: 20q11.21.
Variant type: single nucleotide variant.
Coding change: c.145A>C on transcript NM_033118.4 (MANE Select); coding-DNA position 145, A replaced by C.
Protein change: p.Thr49Pro; replaces threonine 49 with proline.
Molecular consequence: missense variant.
Genome position (GRCh38, 1-based): chr20:31,820,218, A>C. VCF-style: chr20-31820218-A-C. GRCh37 (hg19) VCF-style: chr20-30408021-A-C.
Other names: short protein forms T49P.
Identifiers: ClinVar variation 2995275 (VCV002995275.3), dbSNP rs2515451027, ClinGen allele CA408525012.